The following is an entry in ClinVar:

ClinVar aggregate classification (germline): Conflicting classifications of pathogenicity. Review status: criteria provided, conflicting classifications (1 of 4 stars). 5 submissions from 5 submitters: Uncertain significance (1); Benign (2); Likely benign (1). 1 of the submissions does not count toward it. Last evaluated 2026-02-04.

Conditions:
Developmental and epileptic encephalopathy, 36 (DEE36). Also called: Congenital disorder of glycosylation, type Is; Epileptic encephalopathy, early infantile, 36; ALG13-CDG. Identifiers: Orphanet 324422, MedGen C4317295, MONDO:0010472, OMIM 300884.
Inborn genetic diseases. Identifiers: MedGen C0950123, MeSH D030342.
ALG13-related disorder. Also called: ALG13-related condition.

Submissions (5):

Labcorp Genetics (formerly Invitae), Labcorp
Classification: Likely benign for Developmental and epileptic encephalopathy, 36. Last evaluated: 2026-02-04. Review status: criteria provided, single submitter. Criteria: Invitae Variant Classification Sherloc (09022015). Collection method: clinical testing. Allele origin: germline.

Mayo Clinic Laboratories, Mayo Clinic
Classification: Benign. Last evaluated: 2022-06-24. Review status: criteria provided, single submitter. Criteria: ACMG Guidelines, 2015. Collection method: clinical testing. Allele origin: germline. Observed: 20 variant alleles.
Comment: BS1, BS2

Ambry Genetics
Classification: Benign for Inborn genetic diseases. Last evaluated: 2022-03-29. Review status: criteria provided, single submitter. Criteria: Ambry Variant Classification Scheme 2023. Collection method: clinical testing. Allele origin: germline.

Eurofins Ntd Llc (ga)
Classification: Uncertain significance. Last evaluated: 2014-08-28. Review status: criteria provided, single submitter. Criteria: EGL Classification Definitions. Collection method: clinical testing. Allele origin: germline. Observed: 2 variant alleles, 1 heterozygote, 1 hemizygote.

PreventionGenetics, part of Exact Sciences
Classification: Benign for ALG13-related condition. Last evaluated: 2020-08-19. Review status: no assertion criteria provided. Collection method: clinical testing. Allele origin: germline. Not counted in ClinVar's aggregate classification.
Comment: This variant is classified as benign based on ACMG/AMP sequence variant interpretation guidelines (Richards et al. 2015 PMID: 25741868, with internal and published modifications).

NM_001099922.3(ALG13):c.2754ACC[16] (p.Pro945dup)

Gene: ALG13 (ALG13 UDP-N-acetylglucosaminyltransferase subunit; plus strand). Cytogenetic location: Xq23.
Variant type: Microsatellite.
Coding change: c.2754ACC[16] on transcript NM_001099922.3 (MANE Select); 16 copies in a row of the 3-base unit ACC starting at c.2754; the reference has 15 copies in a row; one copy, 3 bases duplicated; also written c.2796_2798dup.
Protein change: p.Pro945dup; duplicates proline 945.
Molecular consequence: inframe insertion. On other transcripts: intron variant (5).
Genome position (GRCh38, 1-based): chrX:111,744,768-111,744,770, ACC duplicated; duplicating any 3 consecutive bases within chrX:111,744,726-111,744,770 gives the same sequence; the position shown is the placement nearest the transcript's 3' end. VCF-style (leftmost placement, unchanged base first): chrX-111744725-T-TACC. GRCh37 (hg19) VCF-style: chrX-110987953-T-TACC.
Other names: p.Pro945dup; c.2520ACC[16], p.Pro867dup (NM_001257231.2); c.2383+7847ACC[16] (NM_001257237.2, NM_001257234.2, NM_001257230.2); c.2209+7847ACC[16] (NM_001324293.1); c.2695+7847ACC[16] (NM_001324292.2); c.2796_2798dup (NM_001099922.3).
Identifiers: ClinVar variation 195805 (VCV000195805.18), dbSNP rs750710267, ClinGen allele CA242424.